The following is an entry in ClinVar:

ClinVar aggregate classification (germline): Uncertain significance (1 of 4 stars; one submission).

Conditions:
Brugada syndrome. Also called: Sudden unexpected nocturnal death syndrome; Sudden unexplained nocturnal death syndrome; Sudden Unexplained Death Syndrome; Sudden Unexplained Nocturnal Death Syndrome (SUNDS). Identifiers: Orphanet 130, MedGen C1142166, MONDO:0015263.

Allele frequency attached by ClinVar (database versions not stated): gnomAD exomes below 0.00001.

Submission:

Labcorp Genetics (formerly Invitae), Labcorp
Classification: Uncertain significance for Brugada syndrome. Last evaluated: 2023-03-18. Review status: criteria provided, single submitter. Criteria: Invitae Variant Classification Sherloc (09022015). Collection method: clinical testing. Allele origin: germline.
Comment: This sequence change replaces phenylalanine, which is neutral and non-polar, with leucine, which is neutral and non-polar, at codon 113 of the SCN10A protein (p.Phe113Leu). This variant is not present in population databases (gnomAD no frequency). This variant has not been reported in the literature in individuals affected with SCN10A-related conditions. Advanced modeling of protein sequence and biophysical properties (such as structural, functional, and spatial information, amino acid conservation, physicochemical variation, residue mobility, and thermodynamic stability) performed at Invitae indicates that this missense variant is not expected to disrupt SCN10A protein function. In summary, the available evidence is currently insufficient to determine the role of this variant in disease. Therefore, it has been classified as a Variant of Uncertain Significance.

NM_006514.4(SCN10A):c.337T>C (p.Phe113Leu)

Gene: SCN10A (sodium voltage-gated channel alpha subunit 10; minus strand). Cytogenetic location: 3p22.2.
Variant type: single nucleotide variant.
Coding change: c.337T>C on transcript NM_006514.4 (MANE Select); coding-DNA position 337, T replaced by C.
Protein change: p.Phe113Leu; replaces phenylalanine 113 with leucine.
Molecular consequence: missense variant.
Genome position (GRCh38, 1-based): chr3:38,792,102, A>G on the plus strand (T>C on the coding strand, the complement: SCN10A is on the minus strand). VCF-style: chr3-38792102-A-G. GRCh37 (hg19) VCF-style: chr3-38833593-A-G.
Other names: c.337T>C, p.Phe113Leu (NM_001293306.2, NM_001293307.2); short protein forms F113L.
Identifiers: ClinVar variation 2979758 (VCV002979758.3), dbSNP rs2470895351, ClinGen allele CA352161005.